The following is an entry in ClinVar:

NM_015910.7(WDPCP):c.1746C>T (p.Leu582=)

Gene: WDPCP (WD repeat containing planar cell polarity effector; minus strand). Cytogenetic location: 2p15.
Variant type: single nucleotide variant.
Coding change: c.1746C>T on transcript NM_015910.7 (MANE Select); coding-DNA position 1746, C replaced by T.
Protein change: p.Leu582=; no amino-acid change (leucine 582 retained).
Molecular consequence: synonymous variant. On other transcripts: non-coding transcript variant (3).
Genome position (GRCh38, 1-based): chr2:63,378,388, G>A on the plus strand (C>T on the coding strand, the complement: WDPCP is on the minus strand). VCF-style: chr2-63378388-G-A. GRCh37 (hg19) VCF-style: chr2-63605523-G-A.
Other names: c.1269C>T, p.Leu423= (NM_001042692.3); c.1674C>T, p.Leu558= (NM_001354044.2); c.1746C>T, p.Leu582= (NM_001354045.2).
Identifiers: ClinVar variation 4996259 (VCV004996259.1).
Genomic context (GRCh38, chr2:63,378,388, plus strand): 5'-GATGTCTCCTGAAATAAGTAATTAGTCTGACGCTAATCAATCCAAACATATCATTCACCT[G>A]AGCAAGTGATGGAAGAATCTCCTTGCATATTTGCTGATTTGATCTCTATATTCCAATATA-3'
Protein context (NP_056994.3, residues 572-592): KYARRFFHHL[Leu582=]RYQRFEKAFL

ClinVar aggregate classification (germline): Uncertain significance (1 of 4 stars; one submission).

Conditions:
WDPCP-related disorder. Also called: WDPCP-related condition.

gnomAD v4.1: 1 of 1,612,908 alleles (0.000062%); highest among the groups gnomAD compares: Non-Finnish European, 0.000085%; no homozygotes.

Submission:

PreventionGenetics, part of Exact Sciences
Classification: Uncertain significance for WDPCP-related condition. Last evaluated: 2026-03-03. Review status: criteria provided, single submitter. Criteria: ACMG Guidelines, 2015. Collection method: clinical testing. Allele origin: germline.
Comment: The WDPCP c.1746C>T variant is not predicted to result in an amino acid change (p.=). This variant is predicted to impact splicing based on available splicing prediction programs (SpliceAI, Jaganathan et al. 2019. PubMed ID: 30661751). To our knowledge, this variant has not been reported in the literature. This variant is reported in 0.00089% of alleles in individuals of European (Non-Finnish) descent in gnomAD. At this time, the clinical significance of this variant is uncertain due to the absence of conclusive functional and genetic evidence.